The following is an entry in ClinVar:

ClinVar aggregate classification (germline): Uncertain significance. Review status: criteria provided, multiple submitters, no conflicts (2 of 4 stars). 4 submissions from 4 submitters: Uncertain significance (4). Last evaluated 2026-07-01.

Conditions:
Inborn genetic diseases. Identifiers: MedGen C0950123, MeSH D030342.
Seckel syndrome 1 (SCKL1). Also called: MICROCEPHALIC PRIMORDIAL DWARFISM I. Identifiers: Orphanet 808, MedGen C4551474, MONDO:0008869, OMIM 210600.

Allele frequency attached by ClinVar (database versions not stated): ExAC 0.00003; gnomAD 0.00001; gnomAD exomes 0.00002; TOPMed 0.00002.
gnomAD v4.1: 19 of 1,613,888 alleles (0.0012%); highest among the groups gnomAD compares: Middle Eastern, 0.016%; no homozygotes.

Submissions (4):

CeGaT Center for Human Genetics Tuebingen
Classification: Uncertain significance. Last evaluated: 2026-07-01. Review status: criteria provided, single submitter. Criteria: CeGaT Center For Human Genetics Tuebingen Variant Classification Criteria Version 2. Collection method: clinical testing. Allele origin: germline. Affected: yes. Observed: 1 variant allele.
Comment: ATR: PM2:Supporting, BP4

Ambry Genetics
Classification: Uncertain significance for Inborn genetic diseases. Last evaluated: 2025-04-18. Review status: criteria provided, single submitter. Criteria: Ambry Variant Classification Scheme 2023. Collection method: clinical testing. Allele origin: germline.

Labcorp Genetics (formerly Invitae), Labcorp
Classification: Uncertain significance. Last evaluated: 2023-08-24. Review status: criteria provided, single submitter. Criteria: Invitae Variant Classification Sherloc (09022015). Collection method: clinical testing. Allele origin: germline.
Comment: This sequence change replaces alanine, which is neutral and non-polar, with valine, which is neutral and non-polar, at codon 2575 of the ATR protein (p.Ala2575Val). This variant is present in population databases (rs762196224, gnomAD 0.02%). This variant has not been reported in the literature in individuals affected with ATR-related conditions. ClinVar contains an entry for this variant (Variation ID: 1009903). An algorithm developed to predict the effect of missense changes on protein structure and function (PolyPhen-2) suggests that this variant¬†is likely to be tolerated. In summary, the available evidence is currently insufficient to determine the role of this variant in disease. Therefore, it has been classified as a Variant of Uncertain Significance.

Department of Pathology and Laboratory Medicine, Sinai Health System
Classification: Uncertain significance for Seckel syndrome 1. Last evaluated: 2023-04-23. Review status: criteria provided, single submitter. Criteria: ACMG Guidelines, 2015. Collection method: research. Allele origin: germline.

NM_001184.4(ATR):c.7724C>T (p.Ala2575Val)

Gene: ATR (ATR checkpoint kinase; minus strand). Cytogenetic location: 3q23.
Variant type: single nucleotide variant.
Coding change: c.7724C>T on transcript NM_001184.4 (MANE Select); coding-DNA position 7724, C replaced by T.
Protein change: p.Ala2575Val; replaces alanine 2575 with valine.
Molecular consequence: missense variant.
Genome position (GRCh38, 1-based): chr3:142,453,165, G>A on the plus strand (C>T on the coding strand, the complement: ATR is on the minus strand). VCF-style: chr3-142453165-G-A. GRCh37 (hg19) VCF-style: chr3-142172007-G-A.
Other names: c.7724C>T (NM_001184.3); c.7532C>T, p.Ala2511Val (NM_001354579.2); short protein forms A2511V, A2575V.
Identifiers: ClinVar variation 1009903 (VCV001009903.7), dbSNP rs762196224, ClinGen allele CA2649075.